The following is an entry in ClinVar:

ClinVar aggregate classification (germline): Uncertain significance (1 of 4 stars; one submission).

Conditions:
Familial thoracic aortic aneurysm and aortic dissection (TAAD). Also called: Thoracic aortic aneurysms and dissections. Identifiers: Orphanet 91387, MedGen C4707243, MONDO:0019625.

Submission:

Ambry Genetics
Classification: Uncertain significance for Familial thoracic aortic aneurysm and aortic dissection. Last evaluated: 2021-02-16. Review status: criteria provided, single submitter. Criteria: Ambry Variant Classification Scheme 2023. Collection method: clinical testing. Allele origin: germline.
Comment: The c.2049_2090del42 variant (also known as p.Q683_E696del) is located in coding exon 7 of the SKI gene. This variant results from an in-frame GCTGCGGGCCGACCTGCTGCGGGAGCGCGAGGCCCGGGAGCA deletion at nucleotide positions 2049 to 2090. This results in the in-frame deletion of 14 amino acids from codon 683 to codon 696. This amino acid region is well conserved in available vertebrate species. Since supporting evidence is limited at this time, the clinical significance of this alteration remains unclear.

NM_003036.4(SKI):c.2049_2090del (p.Gln683_Glu696del)

Gene: SKI (SKI proto-oncogene; plus strand). Cytogenetic location: 1p36.32.
Variant type: Deletion.
Coding change: c.2049_2090del on transcript NM_003036.4 (MANE Select); coding-DNA positions 2049 to 2090, 42 bases deleted.
Protein change: p.Gln683_Glu696del.
Molecular consequence: inframe deletion.
Genome position (GRCh38, 1-based): chr1:2,306,627-2,306,668, 42 bases deleted; deleting any 42 consecutive bases within chr1:2,306,618-2,306,668 gives the same sequence; the c. name uses the placement nearest the transcript's 3' end. GRCh37 (hg19): chr1:2,238,066-2,238,107.
Identifiers: ClinVar variation 1785007 (VCV001785007.2), dbSNP rs2521521943, ClinGen allele CA2580061404.